The following is an entry in ClinVar:

NM_001378778.1(MPDZ):c.4318G>T (p.Ala1440Ser)

Gene: MPDZ (multiple PDZ domain crumbs cell polarity complex component; minus strand). Cytogenetic location: 9p23.
Variant type: single nucleotide variant.
Coding change: c.4318G>T on transcript NM_001378778.1 (MANE Select); coding-DNA position 4318, G replaced by T.
Protein change: p.Ala1440Ser; replaces alanine 1440 with serine.
Molecular consequence: missense variant.
Genome position (GRCh38, 1-based): chr9:13,136,157, C>A on the plus strand (G>T on the coding strand, the complement: MPDZ is on the minus strand). VCF-style: chr9-13136157-C-A. GRCh37 (hg19) VCF-style: chr9-13136156-C-A.
Other names: c.4219G>T, p.Ala1407Ser (NM_001261406.2, NM_001261407.2, NM_001375416.1 and 3 more transcripts); c.4318G>T, p.Ala1440Ser (NM_001330637.2, NM_001375413.1, NM_003829.5); c.4108G>T, p.Ala1370Ser (NM_001375420.1, NM_001375421.1, NM_001375422.1 and 4 more transcripts); c.3910G>T, p.Ala1304Ser (NM_001375427.1); c.4318G>T (NM_003829.3); short protein forms A1407S, A1304S, A1370S, A1440S.
Identifiers: ClinVar variation 1385237 (VCV001385237.9), dbSNP rs750164135, ClinGen allele CA4986764.

ClinVar aggregate classification (germline): Uncertain significance. Review status: criteria provided, multiple submitters, no conflicts (2 of 4 stars). 2 submissions from 2 submitters: Uncertain significance (2). Last evaluated 2024-12-24.

Conditions:
Inborn genetic diseases. Identifiers: MedGen C0950123, MeSH D030342.

Allele frequency attached by ClinVar (database versions not stated): gnomAD exomes 0.00002; ExAC 0.00003; gnomAD 0.00004 and 0.00005; TOPMed 0.00004.
gnomAD v4.1: 30 of 1,612,256 alleles (0.0019%); highest among the groups gnomAD compares: Non-Finnish European, 0.0014%; no homozygotes.

Submissions (2):

Ambry Genetics
Classification: Uncertain significance for Inborn genetic diseases. Last evaluated: 2024-12-24. Review status: criteria provided, single submitter. Criteria: Ambry Variant Classification Scheme 2023. Collection method: clinical testing. Allele origin: germline.

Labcorp Genetics (formerly Invitae), Labcorp
Classification: Uncertain significance. Last evaluated: 2022-10-24. Review status: criteria provided, single submitter. Criteria: Invitae Variant Classification Sherloc (09022015). Collection method: clinical testing. Allele origin: germline.
Comment: Algorithms developed to predict the effect of missense changes on protein structure and function (SIFT, PolyPhen-2, Align-GVGD) all suggest that this variant is likely to be disruptive. In summary, the available evidence is currently insufficient to determine the role of this variant in disease. Therefore, it has been classified as a Variant of Uncertain Significance. ClinVar contains an entry for this variant (Variation ID: 1385237). This variant has not been reported in the literature in individuals affected with MPDZ-related conditions. This variant is present in population databases (rs750164135, gnomAD 0.04%). This sequence change replaces alanine, which is neutral and non-polar, with serine, which is neutral and polar, at codon 1440 of the MPDZ protein (p.Ala1440Ser).